The following is an entry in ClinVar:

NM_016729.3(FOLR1):c.59G>C (p.Gly20Ala)

Genes: FOLR1 (folate receptor alpha; plus strand), FOLR1-AS1 (FOLR1 antisense RNA 1; minus strand). Cytogenetic location: 11q13.4.
Variant type: single nucleotide variant.
Coding change: c.59G>C on transcript NM_016729.3 (MANE Select); coding-DNA position 59, G replaced by C.
Protein change: p.Gly20Ala; replaces glycine 20 with alanine.
Molecular consequence: missense variant.
Genome position (GRCh38, 1-based): chr11:72,192,232, G>C. VCF-style: chr11-72192232-G-C. GRCh37 (hg19) VCF-style: chr11-71903276-G-C.
Other names: c.59G>C, p.Gly20Ala (NM_000802.3, NM_016724.3, NM_016725.3); short protein forms G20A.
Identifiers: ClinVar variation 452139 (VCV000452139.10), dbSNP rs566120497, ClinGen allele CA381729215.
Genomic context (GRCh38, chr11:72,192,232, plus strand): 5'-ACATGGCTCAGCGGATGACAACACAGCTGCTGCTCCTTCTAGTGTGGGTGGCTGTAGTAG[G>C]GGAGGCTCAGACAAGGATTGCATGGGCCAGGACTGAGCTTCTCAATGTCTGCATGAACGC-3'
Protein context (NP_057941.1, residues 10-30): LLLLVWVAVV[Gly20Ala]EAQTRIAWAR

ClinVar aggregate classification (germline): Uncertain significance. Review status: criteria provided, multiple submitters, no conflicts (2 of 4 stars). 2 submissions from 2 submitters: Uncertain significance (2). Last evaluated 2021-11-23.

Conditions:
Cerebral folate transport deficiency. Also called: FOLR1-Related Cerebral Folate Transport Deficiency; NEURODEGENERATION DUE TO CEREBRAL FOLATE TRANSPORT DEFICIENCY; Neurodegenerative syndrome due to cerebral folate transport deficiency; FOLATE RECEPTOR DEFICIENCY; Cerebral folate deficiency syndrome. Identifiers: Orphanet 217382, MedGen C2751584, MONDO:0013110, OMIM 613068. Disease mechanism: loss of function.

gnomAD v4.1: 1 of 1,614,194 alleles (0.000062%); no homozygotes.

Submissions (2):

Labcorp Genetics (formerly Invitae), Labcorp
Classification: Uncertain significance for Cerebral folate transport deficiency. Last evaluated: 2021-11-23. Review status: criteria provided, single submitter. Criteria: Invitae Variant Classification Sherloc (09022015). Collection method: clinical testing. Allele origin: germline.
Comment: This sequence change replaces glycine, which is neutral and non-polar, with alanine, which is neutral and non-polar, at codon 20 of the FOLR1 protein (p.Gly20Ala). In summary, the available evidence is currently insufficient to determine the role of this variant in disease. Therefore, it has been classified as a Variant of Uncertain Significance. Algorithms developed to predict the effect of missense changes on protein structure and function (SIFT, PolyPhen-2, Align-GVGD) all suggest that this variant is likely to be tolerated. ClinVar contains an entry for this variant (Variation ID: 452139). This variant has not been reported in the literature in individuals affected with FOLR1-related conditions. This variant is not present in population databases (gnomAD no frequency).

GeneDx
Classification: Uncertain significance. Last evaluated: 2017-09-21. Review status: criteria provided, single submitter. Criteria: GeneDx Variant Classification (06012015). Collection method: clinical testing. Allele origin: germline. Affected: yes.
Comment: The G20A variant has not been published as a pathogenic variant, nor has it been reported as a benign variant to our knowledge. The G20A variant is not observed in large population cohorts (Lek et al., 2016). The G20A variant is a conservative amino acid substitution, which is not likely to impact secondary protein structure as these residues share similar properties. This substitution occurs at a position that is not conserved, and in silico analysis predicts this variant likely does not alter the protein structure/function. Based on the currently available information, it is unclear whether this variant is a pathogenic variant or a rare benign variant.